The following is an entry in ClinVar:

ClinVar aggregate classification (germline): Uncertain significance (1 of 4 stars; one submission).

Conditions:
Aortic aneurysm, familial thoracic 8 (AAT8). Identifiers: MedGen C3809513, MONDO:0014187, OMIM 615436.

Submission:

Labcorp Genetics (formerly Invitae), Labcorp
Classification: Uncertain significance for Aortic aneurysm, familial thoracic 8. Last evaluated: 2020-07-30. Review status: criteria provided, single submitter. Criteria: Invitae Variant Classification Sherloc (09022015). Collection method: clinical testing. Allele origin: germline.
Comment: This variant has not been reported in the literature in individuals with PRKG1-related conditions. This variant is an out-of-frame deletion of the genomic region encompassing exon(s) 4 of the PRKG1 gene. This is expected to create a premature translational stop signal and result in an absent or disrupted protein product. The current clinical and genetic evidence is not sufficient to establish whether loss-of-function variants in PRKG1 cause disease. In summary, the available evidence is currently insufficient to determine the role of this variant in disease. Therefore, it has been classified as a Variant of Uncertain Significance.

NC_000010.10:g.(?_53564335)_(53564460_?)del

Gene: PRKG1 (protein kinase cGMP-dependent 1; plus strand). Cytogenetic location: 10q21.1.
Variant type: Deletion.
Identifiers: ClinVar variation 1023391 (VCV001023391.5).